The following is an entry in ClinVar:

NM_020765.3(UBR4):c.8856C>T (p.Ser2952=)

Gene: UBR4 (ubiquitin protein ligase E3 component n-recognin 4; minus strand). Cytogenetic location: 1p36.13.
Variant type: single nucleotide variant.
Coding change: c.8856C>T on transcript NM_020765.3 (MANE Select); coding-DNA position 8856, C replaced by T.
Protein change: p.Ser2952=; no amino-acid change (serine 2952 retained).
Molecular consequence: synonymous variant.
Genome position (GRCh38, 1-based): chr1:19,138,057, G>A on the plus strand (C>T on the coding strand, the complement: UBR4 is on the minus strand). VCF-style: chr1-19138057-G-A. GRCh37 (hg19) VCF-style: chr1-19464551-G-A.
Identifiers: ClinVar variation 3043313 (VCV003043313.2), dbSNP rs138959365, ClinGen allele CA649613.
Genomic context (GRCh38, chr1:19,138,057, plus strand): 5'-AGGTCTTGACCTGTTGCTAGTGTGGACATCTCCTTCAGTTTCTCCTTCTCCTTCTCCCTC[G>A]GAGCCATCTCCCTCCTGGTGCCCAGTGGTGGTGCTGATGGCTCCAGTGCTTGAGCTGACA-3'
Protein context (NP_065816.2, residues 2942-2962): TTTGHQEGDG[Ser2952=]EGEGEGETEG

ClinVar aggregate classification (germline): Likely benign (0 of 4 stars; one submission).

Conditions:
UBR4-related disorder. Also called: UBR4-related condition.

Allele frequency attached by ClinVar (database versions not stated): ESP Exome Variant Server 0.00015; gnomAD exomes 0.00015; 1000 Genomes Project 30x 0.00016; gnomAD 0.00016; 1000 Genomes Project 0.00020; TOPMed 0.00022; ExAC 0.00023.
gnomAD v4.1: 258 of 1,589,112 alleles (0.016%); highest among the groups gnomAD compares: Middle Eastern, 0.18%; no homozygotes.

Submission:

PreventionGenetics, part of Exact Sciences
Classification: Likely benign for UBR4-related condition. Last evaluated: 2019-06-28. Review status: no assertion criteria provided. Collection method: clinical testing. Allele origin: germline.
Comment: This variant is classified as likely benign based on ACMG/AMP sequence variant interpretation guidelines (Richards et al. 2015 PMID: 25741868, with internal and published modifications).